The following is an entry in ClinVar:

ClinVar aggregate classification (germline): Likely benign (0 of 4 stars; one submission).

Conditions:
BIRC6-related disorder. Also called: BIRC6-related condition.

Allele frequency attached by ClinVar (database versions not stated): 1000 Genomes Project 30x 0.00062; 1000 Genomes Project 0.00080; TOPMed 0.00095; ESP Exome Variant Server 0.00115; gnomAD 0.00204.
gnomAD v4.1: 3,500 of 1,613,854 alleles (0.22%); highest among the groups gnomAD compares: Non-Finnish European, 0.19%; 19 homozygotes.

Submissions (3):

PreventionGenetics, part of Exact Sciences
Classification: Likely benign for BIRC6-related condition. Last evaluated: 2019-04-25. Review status: no assertion criteria provided. Collection method: clinical testing. Allele origin: germline.
Comment: This variant is classified as likely benign based on ACMG/AMP sequence variant interpretation guidelines (Richards et al. 2015 PMID: 25741868, with internal and published modifications).

Dr. Peter K. Rogan Lab, Western University
No classification provided (evidence only). Condition: Melanoma. Review status: no classification provided. Collection method: in vitro. Allele origin: not applicable. Functional consequence: retained intron. Not counted in ClinVar's aggregate classification.

Dr. Peter K. Rogan Lab, Western University
No classification provided (evidence only). Condition: Malignant tumor of esophagus. Review status: no classification provided. Collection method: in vitro. Allele origin: not applicable. Functional consequence: retained intron. Not counted in ClinVar's aggregate classification.

NM_016252.4(BIRC6):c.6252A>G (p.Gln2084=)

Gene: BIRC6 (baculoviral IAP repeat containing 6; plus strand). Cytogenetic location: 2p22.3.
Variant type: single nucleotide variant.
Coding change: c.6252A>G on transcript NM_016252.4 (MANE Select); coding-DNA position 6252, A replaced by G.
Protein change: p.Gln2084=; no amino-acid change (glutamine 2084 retained).
Molecular consequence: synonymous variant.
Genome position (GRCh38, 1-based): chr2:32,469,519, A>G. VCF-style: chr2-32469519-A-G. GRCh37 (hg19) VCF-style: chr2-32694587-A-G.
Other names: NC_000002.11:g.32694587A>G; c.6222A>G, p.Gln2074= (NM_001378125.1).
Identifiers: ClinVar variation 3045658 (VCV003045658.3), dbSNP rs147408011, ClinGen allele CA1603821.